The following is an entry in ClinVar:

ClinVar aggregate classification (germline): Likely benign (1 of 4 stars; one submission).

Allele frequency attached by ClinVar (database versions not stated): gnomAD exomes 0.00136; gnomAD 0.01377 and 0.01480; TOPMed 0.01494; 1000 Genomes Project 0.01558; 1000 Genomes Project 30x 0.01640.
gnomAD v4.1: 3,934 of 1,462,446 alleles (0.27%); highest among the groups gnomAD compares: African/African-American, 4.6%; 76 homozygotes.

Submission:

GeneDx
Classification: Likely benign. Last evaluated: 2018-06-16. Review status: criteria provided, single submitter. Criteria: GeneDx Variant Classification (06012015). Collection method: clinical testing. Allele origin: germline. Affected: yes.
Comment: This variant is considered likely benign or benign based on one or more of the following criteria: it is a conservative change, it occurs at a poorly conserved position in the protein, it is predicted to be benign by multiple in silico algorithms, and/or has population frequency not consistent with disease.

NM_014874.4(MFN2):c.2204+118A>G

Gene: MFN2 (mitofusin 2; plus strand). Cytogenetic location: 1p36.22.
Variant type: single nucleotide variant.
Coding change: c.2204+118A>G on transcript NM_014874.4 (MANE Select); 118 bases into the intron after coding-DNA position 2204, A replaced by G.
Molecular consequence: intron variant.
Genome position (GRCh38, 1-based): chr1:12,009,844, A>G. VCF-style: chr1-12009844-A-G. GRCh37 (hg19) VCF-style: chr1-12069901-A-G.
Other names: c.2204+118A>G (NM_001127660.2).
Identifiers: ClinVar variation 675538 (VCV000675538.1), dbSNP rs77738831, ClinGen allele CA18017129.